The following is an entry in ClinVar:

ClinVar aggregate classification (germline): Uncertain significance. Review status: criteria provided, multiple submitters, no conflicts (2 of 4 stars). 2 submissions from 2 submitters: Uncertain significance (2). Last evaluated 2025-12-11.

Conditions:
Spinocerebellar ataxia type 40. Identifiers: Orphanet 423275, MedGen C4518336, MONDO:0014475, OMIM 616053.
Hydrocephalus, nonsyndromic, autosomal recessive 1 (HYC1). Also called: Hydrocephalus, nonsyndromic, autosomal recessive; Congenital hydrocephalus 1. Identifiers: Orphanet 2185, MedGen C3887608, MONDO:0009360, OMIM 236600.

Allele frequency attached by ClinVar (database versions not stated): gnomAD exomes 0.00001.
gnomAD v4.1: 3 of 1,607,814 alleles (0.00019%); highest among the groups gnomAD compares: Non-Finnish European, 0.00025%; 1 homozygote.

Submissions (2):

Myriad Genetics, Inc.
Classification: Uncertain significance for Hydrocephalus, nonsyndromic, autosomal recessive 1. Last evaluated: 2025-12-11. Review status: criteria provided, single submitter. Criteria: Myriad Autosomal Dominant, Autosomal Recessive and X-Linked Classification Criteria (2023). Collection method: clinical testing. Allele origin: unknown.
Comment: NM_001080414.3(CCDC88C):c.1085C>T(T362I) is a missense variant classified as a variant of uncertain significance in the context of congenital hydrocephalus, CCDC88C-related. T362I has not been observed in cases with relevant disease. Relevant functional assessments of this variant are not available in the literature. T362I has been observed in referenced population frequency databases. In summary, there is insufficient evidence to classify NM_001080414.3(CCDC88C):c.1085C>T(T362I) as pathogenic or benign. Please note: this variant was assessed in the context of healthy population screening.

Labcorp Genetics (formerly Invitae), Labcorp
Classification: Uncertain significance. Last evaluated: 2022-07-25. Review status: criteria provided, single submitter. Criteria: Invitae Variant Classification Sherloc (09022015). Collection method: clinical testing. Allele origin: germline.
Comment: This sequence change replaces threonine, which is neutral and polar, with isoleucine, which is neutral and non-polar, at codon 362 of the CCDC88C protein (p.Thr362Ile). This variant is present in population databases (no rsID available, gnomAD 0.002%), including at least one homozygous and/or hemizygous individual. This variant has not been reported in the literature in individuals affected with CCDC88C-related conditions. Algorithms developed to predict the effect of missense changes on protein structure and function are either unavailable or do not agree on the potential impact of this missense change (SIFT: "Deleterious"; PolyPhen-2: "Probably Damaging"; Align-GVGD: "Class C0"). In summary, the available evidence is currently insufficient to determine the role of this variant in disease. Therefore, it has been classified as a Variant of Uncertain Significance.

NM_001080414.4(CCDC88C):c.1085C>T (p.Thr362Ile)

Gene: CCDC88C (coiled-coil and HOOK domain protein 88C; minus strand). Cytogenetic location: 14q32.11.
Variant type: single nucleotide variant.
Coding change: c.1085C>T on transcript NM_001080414.4 (MANE Select); coding-DNA position 1085, C replaced by T.
Protein change: p.Thr362Ile; replaces threonine 362 with isoleucine.
Molecular consequence: missense variant.
Genome position (GRCh38, 1-based): chr14:91,326,022, G>A on the plus strand (C>T on the coding strand, the complement: CCDC88C is on the minus strand). VCF-style: chr14-91326022-G-A. GRCh37 (hg19) VCF-style: chr14-91792366-G-A.
Other names: c.1085C>T (NM_001080414.3); short protein forms T362I.
Identifiers: ClinVar variation 2121585 (VCV002121585.5), dbSNP rs1223014562, ClinGen allele CA390637470.